The following is an entry in ClinVar:

ClinVar aggregate classification (germline): Uncertain significance (1 of 4 stars; one submission).

Conditions:
Hypomyelination and Congenital Cataract (HLD5). Also called: hypomyelinating leukodystrophy 5. Identifiers: Orphanet 85163, MedGen C1864663, MONDO:0012514, OMIM 610532.

Submission:

Baylor Genetics
Classification: Uncertain significance for Hypomyelination and Congenital Cataract. Last evaluated: 2019-04-06. Review status: criteria provided, single submitter. Criteria: ACMG Guidelines, 2015. Collection method: clinical testing. Allele origin: unknown. Affected: yes.
Comment: This variant was determined to be of uncertain significance according to ACMG Guidelines, 2015 [PMID:25741868].

NM_032581.4(HYCC1):c.461A>T (p.Gln154Leu)

Gene: HYCC1 (hyccin PI4KA lipid kinase complex subunit 1; minus strand). Cytogenetic location: 7p15.3.
Variant type: single nucleotide variant.
Coding change: c.461A>T on transcript NM_032581.4 (MANE Select); coding-DNA position 461, A replaced by T.
Protein change: p.Gln154Leu; replaces glutamine 154 with leucine.
Molecular consequence: missense variant.
Genome position (GRCh38, 1-based): chr7:22,976,762, T>A on the plus strand (A>T on the coding strand, the complement: HYCC1 is on the minus strand). VCF-style: chr7-22976762-T-A. GRCh37 (hg19) VCF-style: chr7-23016381-T-A.
Other names: c.461A>T, p.Gln154Leu (NM_001363466.2, NM_001363467.2); short protein forms Q154L.
Identifiers: ClinVar variation 1028966 (VCV001028966.2), dbSNP rs146695960, ClinGen allele CA366975242.